The following is an entry in ClinVar:

ClinVar aggregate classification (germline): Likely pathogenic (1 of 4 stars; one submission).

Conditions:
Inborn genetic diseases. Identifiers: MedGen C0950123, MeSH D030342.
Juvenile nephropathic cystinosis. Also called: Intermediate Cystinosis; CYSTINOSIS, LATE-ONSET JUVENILE OR ADOLESCENT NEPHROPATHIC TYPE; Later-Onset (Juvenile) Cystinosis. Identifiers: Orphanet 213, Orphanet 411634, MedGen C0268626, MONDO:0009066, OMIM 219900.
Ocular cystinosis. Also called: Non-Nephropathic Cystinosis; Non-Nephropathic (Ocular) Cystinosis. Identifiers: Orphanet 213, Orphanet 411641, MedGen C2931013, MONDO:0009064, OMIM 219750.

Submission:

Labcorp Genetics (formerly Invitae), Labcorp
Classification: Likely pathogenic for Inborn genetic diseases; Ocular cystinosis; Juvenile nephropathic cystinosis. Last evaluated: 2022-07-05. Review status: criteria provided, single submitter. Criteria: Invitae Variant Classification Sherloc (09022015). Collection method: clinical testing. Allele origin: germline.
Comment: In summary, the currently available evidence indicates that the variant is pathogenic, but additional data are needed to prove that conclusively. Therefore, this variant has been classified as Likely Pathogenic. Algorithms developed to predict the effect of sequence changes on RNA splicing suggest that this variant may disrupt the consensus splice site. This variant has not been reported in the literature in individuals affected with CTNS-related conditions. This variant is not present in population databases (gnomAD no frequency). This sequence change affects an acceptor splice site in intron 5 of the CTNS gene. It is expected to disrupt RNA splicing. Variants that disrupt the donor or acceptor splice site typically lead to a loss of protein function (PMID: 16199547), and loss-of-function variants in CTNS are known to be pathogenic (PMID: 9537412, 27102039).

Literature cited by the submitters: PubMed 16199547; PubMed 9537412; PubMed 27102039.

NM_004937.3(CTNS):c.226-1G>C

Genes: CTNS (cystinosin, lysosomal cystine transporter; plus strand), CTNS-AS1 (CTNS antisense RNA 1; minus strand). Cytogenetic location: 17p13.2.
Variant type: single nucleotide variant.
Coding change: c.226-1G>C on transcript NM_004937.3 (MANE Select); the canonical splice acceptor site of the intron before coding-DNA position 226, G replaced by C.
Molecular consequence: splice acceptor variant.
Genome position (GRCh38, 1-based): chr17:3,654,997, G>C. VCF-style: chr17-3654997-G-C. GRCh37 (hg19) VCF-style: chr17-3558291-G-C.
Other names: c.226-1G>C (NM_001031681.3, NM_001374492.1); c.-216-1G>C (NM_001374493.1, NM_001374495.1, NM_001374494.1 and 1 more transcripts).
Identifiers: ClinVar variation 2014278 (VCV002014278.4), dbSNP rs2507741403, ClinGen allele CA397689975.
Genomic context (GRCh38, chr17:3,654,997, plus strand): 5'-TGCCAGCGGGGTCCTCGGTAACTGTACGTGGCATCGGATTGAACCTCAGTCTTCCTAACA[G>C]GTTGTGGTGCCTCCTGGAGTGACAAACTCCTCTTTTCAAGTGACATCTCAAAATGTTGGA-3'